The following is an entry in ClinVar:

ClinVar aggregate classification (germline): Uncertain significance (1 of 4 stars; one submission).

Allele frequency attached by ClinVar (database versions not stated): gnomAD 0.00001.
gnomAD v4.1: 1 of 1,614,012 alleles (0.000062%); highest among the groups gnomAD compares: East Asian, 0.0022%; no homozygotes.

Submission:

Ambry Genetics
Classification: Uncertain significance. Last evaluated: 2023-01-26. Review status: criteria provided, single submitter. Criteria: Ambry Variant Classification Scheme 2023. Collection method: clinical testing. Allele origin: germline.
Comment: The p.H108Y variant (also known as c.322C>T), located in coding exon 4 of the BUB1 gene, results from a C to T substitution at nucleotide position 322. The histidine at codon 108 is replaced by tyrosine, an amino acid with similar properties. This amino acid position is conserved. In addition, this alteration is predicted to be tolerated by in silico analysis. Since supporting evidence is limited at this time, the clinical significance of this alteration remains unclear.

NM_004336.5(BUB1):c.322C>T (p.His108Tyr)

Gene: BUB1 (BUB1 mitotic checkpoint serine/threonine kinase; minus strand). Cytogenetic location: 2q13.
Variant type: single nucleotide variant.
Coding change: c.322C>T on transcript NM_004336.5 (MANE Select); coding-DNA position 322, C replaced by T.
Protein change: p.His108Tyr; replaces histidine 108 with tyrosine.
Molecular consequence: missense variant.
Genome position (GRCh38, 1-based): chr2:110,672,761, G>A on the plus strand (C>T on the coding strand, the complement: BUB1 is on the minus strand). VCF-style: chr2-110672761-G-A. GRCh37 (hg19) VCF-style: chr2-111430338-G-A.
Other names: c.262C>T, p.His88Tyr (NM_001278616.2); c.322C>T, p.His108Tyr (NM_001278617.2); short protein forms H108Y, H88Y.
Identifiers: ClinVar variation 2451264 (VCV002451264.2), dbSNP rs2468035910, ClinGen allele CA348220546.